The following is an entry in ClinVar:

NM_001267550.2(TTN):c.57731C>G (p.Thr19244Ser)

Genes: TTN (titin; minus strand), TTN-AS1 (TTN antisense RNA 1; plus strand). Cytogenetic location: 2q31.2.
Variant type: single nucleotide variant.
Coding change: c.57731C>G on transcript NM_001267550.2 (MANE Select); coding-DNA position 57731, C replaced by G.
Protein change: p.Thr19244Ser; replaces threonine 19244 with serine.
Molecular consequence: missense variant.
Genome position (GRCh38, 1-based): chr2:178,595,623, G>C on the plus strand (C>G on the coding strand, the complement: TTN is on the minus strand). VCF-style: chr2-178595623-G-C. GRCh37 (hg19) VCF-style: chr2-179460350-G-C.
Other names: c.52808C>G, p.Thr17603Ser (NM_001256850.1); c.30536C>G, p.Thr10179Ser (NM_003319.4); c.50027C>G, p.Thr16676Ser (NM_133378.4); c.30911C>G, p.Thr10304Ser (NM_133432.3); c.31112C>G, p.Thr10371Ser (NM_133437.4); short protein forms T10179S, T10304S, T10371S, T16676S, T17603S, T19244S.
Identifiers: ClinVar variation 3344249 (VCV003344249.1).
Genomic context (GRCh38, chr2:178,595,623, plus strand): 5'-ATACTATTTTCAGCCGCAATTCGGAAAAAGTAGGCTTTTCCTTGAATGAGACCCTGGACA[G>C]TAGCATTTTGTCGGGTAACTGTATATGTCACTGGGGTCCATGCTCTGCGGTCAGATTCAC-3'
Protein context (NP_001254479.2, residues 19234-19254): VTYTVTRQNA[Thr19244Ser]VQGLIQGKAY

ClinVar aggregate classification (germline): Uncertain significance (0 of 4 stars; one submission).

Conditions:
TTN-related disorder. Also called: TTN-related disorders; TTN-related condition; TTN-related disease.

Submission:

PreventionGenetics, part of Exact Sciences
Classification: Uncertain significance for TTN-related condition. Last evaluated: 2024-05-10. Review status: no assertion criteria provided. Collection method: clinical testing. Allele origin: germline.
Comment: The TTN c.57731C>G variant is predicted to result in the amino acid substitution p.Thr19244Ser. To our knowledge, this variant has not been reported in the literature or in a large population database, indicating this variant is rare. At this time, the clinical significance of this variant is uncertain due to the absence of conclusive functional and genetic evidence.